The following is an entry in ClinVar:

NM_004752.4(GCM2):c.1168T>C (p.Ser390Pro)

Gene: GCM2 (glial cells missing transcription factor 2; minus strand). Cytogenetic location: 6p24.2.
Variant type: single nucleotide variant.
Coding change: c.1168T>C on transcript NM_004752.4 (MANE Select); coding-DNA position 1168, T replaced by C.
Protein change: p.Ser390Pro; replaces serine 390 with proline.
Molecular consequence: missense variant.
Genome position (GRCh38, 1-based): chr6:10,874,348, A>G on the plus strand (T>C on the coding strand, the complement: GCM2 is on the minus strand). VCF-style: chr6-10874348-A-G. GRCh37 (hg19) VCF-style: chr6-10874581-A-G.
Other names: short protein forms S390P.
Identifiers: ClinVar variation 64535 (VCV000064535.2), dbSNP rs387907434, ClinGen allele CA216355.

ClinVar aggregate classification (germline): Uncertain significance (0 of 4 stars; one submission).

Allele frequency attached by ClinVar (database versions not stated): TOPMed below 0.00001.

Submission:

Martin Pollak Laboratory,  Beth Israel Deaconess Medical Center
Classification: Uncertain significance. Review status: no assertion criteria provided. Collection method: not provided. Allele origin: unknown.
Comment: Higher UCa2+ group
ClinVar note: Converted during submission from unknown to Uncertain significance.